The following is an entry in ClinVar:

NM_000048.4(ASL):c.*218C>T

Gene: ASL (argininosuccinate lyase; plus strand). Cytogenetic location: 7q11.21.
Variant type: single nucleotide variant.
Coding change: c.*218C>T on transcript NM_000048.4 (MANE Select); 218 bases downstream of the stop codon, C replaced by T.
Molecular consequence: 3 prime UTR variant.
Genome position (GRCh38, 1-based): chr7:66,093,130, C>T. VCF-style: chr7-66093130-C-T. GRCh37 (hg19) VCF-style: chr7-65558117-C-T.
Other names: c.*218C>T (NM_001024943.2, NM_001024944.2, NM_001024946.2).
Identifiers: ClinVar variation 908919 (VCV000908919.4), dbSNP rs115226772, ClinGen allele CA159943236.

ClinVar aggregate classification (germline): Likely benign (1 of 4 stars; one submission).

Conditions:
Argininosuccinate lyase deficiency. Also called: ARGININOSUCCINIC ACID LYASE DEFICIENCY; ASL DEFICIENCY; Argininosuccinic aciduria. Identifiers: Orphanet 23, MedGen C0268547, MONDO:0008815, OMIM 207900, HP:0025630.

Allele frequency attached by ClinVar (database versions not stated): gnomAD 0.00349 and 0.00375; TOPMed 0.00374; 1000 Genomes Project 0.00379; 1000 Genomes Project 30x 0.00422.
gnomAD v4.1: 749 of 672,840 alleles (0.11%); highest among the groups gnomAD compares: African/African-American, 1.3%; 6 homozygotes.

Submission:

Illumina Laboratory Services, Illumina
Classification: Likely benign for Argininosuccinate lyase deficiency. Last evaluated: 2018-01-12. Review status: criteria provided, single submitter. Criteria: ICSL Variant Classification Criteria 13 December 2019. Collection method: clinical testing. Allele origin: germline.
Comment: This variant was observed in the ICSL laboratory as part of a predisposition screen in an ostensibly healthy population. It had not been previously curated by ICSL or reported in the Human Gene Mutation Database (HGMD: prior to June 1st, 2018), and was therefore a candidate for classification through an automated scoring system. Utilizing variant allele frequency, disease prevalence and penetrance estimates, and inheritance mode, an automated score was calculated to assess if this variant is too frequent to cause the disease. Based on the score and internal cut-off values, a variant classified as likely benign is not then subjected to further curation. The score for this variant resulted in a classification of likely benign for this disease.